The following is an entry in ClinVar:

ClinVar aggregate classification (germline): Uncertain significance (1 of 4 stars; one submission).

Allele frequency attached by ClinVar (database versions not stated): gnomAD exomes below 0.00001.
gnomAD v4.1: 2 of 1,613,800 alleles (0.00012%); highest among the groups gnomAD compares: South Asian, 0.0022%; no homozygotes.

Submission:

CeGaT Center for Human Genetics Tuebingen
Classification: Uncertain significance. Last evaluated: 2023-01-01. Review status: criteria provided, single submitter. Criteria: CeGaT Center For Human Genetics Tuebingen Variant Classification Criteria Version 2. Collection method: clinical testing. Allele origin: germline. Affected: yes. Observed: 1 variant allele.
Comment: TRPV6: PM2, PM3:Supporting

NM_018646.6(TRPV6):c.1067T>C (p.Leu356Pro)

Gene: TRPV6 (transient receptor potential cation channel subfamily V member 6; minus strand). Cytogenetic location: 7q34.
Variant type: single nucleotide variant.
Coding change: c.1067T>C on transcript NM_018646.6 (MANE Select); coding-DNA position 1067, T replaced by C.
Protein change: p.Leu356Pro; replaces leucine 356 with proline.
Molecular consequence: missense variant.
Genome position (GRCh38, 1-based): chr7:142,875,643, A>G on the plus strand (T>C on the coding strand, the complement: TRPV6 is on the minus strand). VCF-style: chr7-142875643-A-G. GRCh37 (hg19) VCF-style: chr7-142573396-A-G.
Other names: short protein forms L356P.
Identifiers: ClinVar variation 2658107 (VCV002658107.24), dbSNP rs2486202402, ClinGen allele CA369635354.